The following is an entry in ClinVar:

ClinVar aggregate classification (germline): Likely benign (1 of 4 stars; one submission).

Conditions:
UGT1A1-related disorder. Also called: UGT1A1-related disorders; UGT1A1-related condition.

gnomAD v4.1: 112 of 1,612,816 alleles (0.0069%); highest among the groups gnomAD compares: Non-Finnish European, 0.0089%; no homozygotes.

Submission:

PreventionGenetics, part of Exact Sciences
Classification: Likely benign for UGT1A1-related condition. Last evaluated: 2025-12-22. Review status: criteria provided, single submitter. Criteria: ACMG Guidelines, 2015. Collection method: clinical testing. Allele origin: germline.
Comment: This variant is classified as likely benign based on ACMG/AMP sequence variant interpretation guidelines (Richards et al. 2015 PMID: 25741868, with internal and published modifications).

NM_000463.3(UGT1A1):c.-3G>T

Genes: UGT1A (UDP glucuronosyltransferase family 1 member A complex locus; plus strand), UGT1A1 (UDP glucuronosyltransferase family 1 member A1; plus strand), UGT1A10 (UDP glucuronosyltransferase family 1 member A10; plus strand), UGT1A3 (UDP glucuronosyltransferase family 1 member A3; plus strand), UGT1A4 (UDP glucuronosyltransferase family 1 member A4; plus strand) and 5 more. Cytogenetic location: 2q37.1.
Variant type: single nucleotide variant.
Coding change: c.-3G>T on transcript NM_000463.3 (MANE Select); 3 bases upstream of the start codon, G replaced by T.
Molecular consequence: 5 prime UTR variant. On other transcripts: intron variant (9).
Genome position (GRCh38, 1-based): chr2:233,760,285, G>T. VCF-style: chr2-233760285-G-T. GRCh37 (hg19) VCF-style: chr2-234668931-G-T.
Other names: c.856-6749G>T (NM_019076.5, NM_019075.4, NM_021027.3 and 1 more transcripts); c.61-6749G>T (NM_205862.3); c.862-6749G>T (NM_001072.4); c.868-6749G>T (NM_019078.2, NM_007120.3, NM_019093.4).
Identifiers: ClinVar variation 4981011 (VCV004981011.1).
Genomic context (GRCh38, chr2:233,760,285, plus strand): 5'-GTTTTTGCCATATATATATATATAAGTAGGAGAGGGCGAACCTCTGGCAGGAGCAAAGGC[G>T]CCATGGCTGTGGAGTCCCAGGGCGGACGCCCACTTGTCCTGGGCCTGCTGCTGTGTGTGC-3'